The following is an entry in ClinVar:

NM_020433.5(JPH2):c.1150G>A (p.Ala384Thr)

Gene: JPH2 (junctophilin 2; minus strand). Cytogenetic location: 20q13.12.
Variant type: single nucleotide variant.
Coding change: c.1150G>A on transcript NM_020433.5 (MANE Select); coding-DNA position 1150, G replaced by A.
Protein change: p.Ala384Thr; replaces alanine 384 with threonine.
Molecular consequence: missense variant.
Genome position (GRCh38, 1-based): chr20:44,159,637, C>T on the plus strand (G>A on the coding strand, the complement: JPH2 is on the minus strand). VCF-style: chr20-44159637-C-T. GRCh37 (hg19) VCF-style: chr20-42788277-C-T.
Other names: short protein forms A384T.
Identifiers: ClinVar variation 4089452 (VCV004089452.1).

ClinVar aggregate classification (germline): Uncertain significance (1 of 4 stars; one submission).

Conditions:
Cardiovascular phenotype. Identifiers: MedGen CN230736.

gnomAD v4.1: 1 of 1,604,898 alleles (0.000062%); highest among the groups gnomAD compares: African/African-American, 0.0013%; no homozygotes.

Submission:

Ambry Genetics
Classification: Uncertain significance for Cardiovascular phenotype. Last evaluated: 2025-08-09. Review status: criteria provided, single submitter. Criteria: Ambry Variant Classification Scheme 2023. Collection method: clinical testing. Allele origin: germline.
Comment: The p.A384T variant (also known as c.1150G>A), located in coding exon 2 of the JPH2 gene, results from a G to A substitution at nucleotide position 1150. The alanine at codon 384 is replaced by threonine, an amino acid with similar properties. This amino acid position is conserved. In addition, this alteration is predicted to be tolerated by in silico analysis. Based on the available evidence, the clinical significance of this variant remains unclear.